The following is an entry in ClinVar:

NM_004369.4(COL6A3):c.6151C>A (p.Pro2051Thr)

Gene: COL6A3 (collagen type VI alpha 3 chain; minus strand). Cytogenetic location: 2q37.3.
Variant type: single nucleotide variant.
Coding change: c.6151C>A on transcript NM_004369.4 (MANE Select); coding-DNA position 6151, C replaced by A.
Protein change: p.Pro2051Thr; replaces proline 2051 with threonine.
Molecular consequence: missense variant.
Genome position (GRCh38, 1-based): chr2:237,361,744, G>T on the plus strand (C>A on the coding strand, the complement: COL6A3 is on the minus strand). VCF-style: chr2-237361744-G-T. GRCh37 (hg19) VCF-style: chr2-238270387-G-T.
Other names: c.4330C>A, p.Pro1444Thr (NM_057166.5); c.5533C>A, p.Pro1845Thr (NM_057167.4); short protein forms P1845T, P1444T, P2051T.
Identifiers: ClinVar variation 957336 (VCV000957336.14), dbSNP rs370397767, ClinGen allele CA2188453.

ClinVar aggregate classification (germline): Conflicting classifications of pathogenicity. Review status: criteria provided, conflicting classifications (1 of 4 stars). 3 submissions from 3 submitters: Uncertain significance (2); Benign (1). Last evaluated 2025-12-10.

Conditions:
Collagen 6-related myopathy. Identifiers: MedGen CN117976, MONDO:0100225.
Bethlem myopathy 1A. Also called: Bethlem Muscular Dystrophy; Bethlem myopathy 1; MYOPATHY, BENIGN CONGENITAL, WITH CONTRACTURES. Identifiers: Orphanet 610, MedGen CN029274, MONDO:0024530, OMIM 158810.

Allele frequency attached by ClinVar (database versions not stated): ExAC 0.00004; gnomAD exomes 0.00009; ESP Exome Variant Server 0.00015; TOPMed 0.00021; gnomAD 0.00029.
gnomAD v4.1: 264 of 1,613,982 alleles (0.016%); highest among the groups gnomAD compares: Admixed American, 0.062%; no homozygotes.

Submissions (3):

Labcorp Genetics (formerly Invitae), Labcorp
Classification: Benign for Bethlem myopathy 1A. Last evaluated: 2025-12-10. Review status: criteria provided, single submitter. Criteria: Invitae Variant Classification Sherloc (09022015). Collection method: clinical testing. Allele origin: germline.

Revvity Omics, Revvity
Classification: Uncertain significance. Last evaluated: 2024-07-18. Review status: criteria provided, single submitter. Criteria: ACMG Guidelines, 2015. Collection method: clinical testing. Allele origin: germline.

Molecular Genetics, Royal Melbourne Hospital
Classification: Uncertain significance for Collagen 6-related myopathy. Last evaluated: 2023-03-30. Review status: criteria provided, single submitter. Criteria: ACMG Guidelines, 2015. Collection method: clinical testing. Allele origin: germline.
Comment: This sequence change in COL6A3 is predicted to replace proline with threonine at codon 2051, p.(Pro2051Thr). The proline residue is moderately conserved (100 vertebrates, UCSC), and is located in the collagen triple helical domain. There is a small physicochemical difference between proline and threonine. The highest population minor allele frequency in gnomAD v2.1 is 0.025% (9/35,440 alleles) in the Latino/admixed American population. To our knowledge, this variant has not been reported in the literature in any individuals with COL6A3-related myopathies. It has been reported as a variant of uncertain significance (ClinVar ID: 957336). Multiple lines of computational evidence have conflicting predictions for the missense substitution (2/6 algorithms predict deleterious). Based on the classification scheme RMH Modified ACMG Guidelines v1.4.0, this variant is classified as a VARIANT OF UNCERTAIN SIGNIFICANCE. Following criteria are met: none.